The following is an entry in ClinVar:

NM_000051.4(ATM):c.1076A>G (p.Glu359Gly)

Gene: ATM (ATM serine/threonine kinase; plus strand). Cytogenetic location: 11q22.3.
Variant type: single nucleotide variant.
Coding change: c.1076A>G on transcript NM_000051.4 (MANE Select); coding-DNA position 1076, A replaced by G.
Protein change: p.Glu359Gly; replaces glutamic acid 359 with glycine.
Molecular consequence: missense variant.
Genome position (GRCh38, 1-based): chr11:108,248,943, A>G. VCF-style: chr11-108248943-A-G. GRCh37 (hg19) VCF-style: chr11-108119670-A-G.
Other names: c.1076A>G, p.Glu359Gly (NM_001351834.2); short protein forms E359G.
Identifiers: ClinVar variation 482761 (VCV000482761.11), dbSNP rs1555069537, ClinGen allele CA382532334.

ClinVar aggregate classification (germline): Conflicting classifications of pathogenicity. Review status: criteria provided, conflicting classifications (1 of 4 stars). 2 submissions from 2 submitters: Uncertain significance (1); Likely benign (1). Last evaluated 2025-09-30.

Conditions:
Hereditary cancer-predisposing syndrome. Also called: Neoplastic Syndromes, Hereditary; Tumor predisposition; Hereditary Cancer Syndrome; Hereditary neoplastic syndrome. Identifiers: Orphanet 140162, MedGen C0027672, MeSH D009386, MONDO:0015356.

Submissions (2):

Ambry Genetics
Classification: Likely benign for Hereditary cancer-predisposing syndrome. Last evaluated: 2025-09-30. Review status: criteria provided, single submitter. Criteria: Ambry Variant Classification Scheme 2023. Collection method: clinical testing. Allele origin: germline.

Color Diagnostics, LLC DBA Color Health
Classification: Uncertain significance for Hereditary cancer-predisposing syndrome. Last evaluated: 2023-12-05. Review status: criteria provided, single submitter. Criteria: ACMG Guidelines, 2015. Collection method: clinical testing. Allele origin: germline.
Comment: This missense variant replaces glutamic acid with glycine at codon 359 of the ATM protein. Computational prediction suggests that this variant may not impact protein structure and function (internally defined REVEL score threshold <= 0.5, PMID: 27666373). To our knowledge, functional studies have not been reported for this variant. This variant has not been reported in individuals affected with ATM-related disorders in the literature. This variant has not been identified in the general population by the Genome Aggregation Database (gnomAD). The available evidence is insufficient to determine the role of this variant in disease conclusively. Therefore, this variant is classified as a Variant of Uncertain Significance.

Literature cited by the submitters: PubMed 40580951 (cited by Ambry Genetics).